The following is an entry in ClinVar:

ClinVar aggregate classification (germline): Likely pathogenic (1 of 4 stars; one submission).

Conditions:
Muscular dystrophy-dystroglycanopathy (congenital with brain and eye anomalies), type A14. Also called: Congenital Muscular Dystrophy-Dystroglycanopathy with Brain and Eye Anomalies Type A 14; Congenital muscular dystrophy-dystroglycanopathy with brain and eye anomalies, type A14; Muscular dystrophy-dystroglycanopathy (congenital with brain and eye anomalies), type a, 14; WALKER-WARBURG SYNDROME OR MUSCLE-EYE-BRAIN DISEASE, GMPPB-RELATED. Identifiers: Orphanet 588, MedGen C3809216, MONDO:0014140, OMIM 615350.
Muscular dystrophy-dystroglycanopathy (congenital with impaired intellectual development), type B, 14. Also called: Congenital muscular dystrophy-dystroglycanopathy with mental retardation, type B14; MUSCULAR DYSTROPHY, CONGENITAL, GMPPB-RELATED; Muscular dystrophy-dystroglycanopathy (congenital with intellectual disability), type B14. Identifiers: MedGen C3809221, MONDO:0014141, OMIM 615351.
Autosomal recessive limb-girdle muscular dystrophy type 2T. Also called: Limb-girdle muscular dystrophy-dystroglycanopathy, type C14; Muscular dystrophy-dystroglycanopathy (limb-girdle), type c, 14; MUSCULAR DYSTROPHY-DYSTROGLYCANOPATHY, LIMB-GIRDLE, GMPPB-RELATED; MUSCULAR DYSTROPHY, LIMB-GIRDLE, TYPE 2T. Identifiers: Orphanet 363623, MedGen C4518000, MONDO:0014142, OMIM 615352.

Allele frequency attached by ClinVar (database versions not stated): gnomAD exomes 0.00001; TOPMed 0.00001; ExAC 0.00001.

Submission:

Labcorp Genetics (formerly Invitae), Labcorp
Classification: Likely pathogenic for Autosomal recessive limb-girdle muscular dystrophy type 2T; Muscular dystrophy-dystroglycanopathy (congenital with brain and eye anomalies), type A14; Muscular dystrophy-dystroglycanopathy (congenital with impaired intellectual development), type B, 14. Last evaluated: 2024-01-08. Review status: criteria provided, single submitter. Criteria: Invitae Variant Classification Sherloc (09022015). Collection method: clinical testing. Allele origin: germline.
Comment: This sequence change replaces arginine, which is basic and polar, with cysteine, which is neutral and slightly polar, at codon 319 of the GMPPB protein (p.Arg319Cys). This variant is present in population databases (rs780867515, gnomAD 0.007%). This missense change has been observed in individual(s) with Congenital myasthenic syndrome and/or congenital myasthenic syndrome (PMID: 33756069; Invitae). In at least one individual the data is consistent with being in trans (on the opposite chromosome) from a pathogenic variant. This variant is also known as p.Arg346Cys. ClinVar contains an entry for this variant (Variation ID: 569923). Advanced modeling of protein sequence and biophysical properties (such as structural, functional, and spatial information, amino acid conservation, physicochemical variation, residue mobility, and thermodynamic stability) performed at Invitae indicates that this missense variant is expected to disrupt GMPPB protein function with a positive predictive value of 80%. This variant disrupts the Arg346 amino acid residue in GMPPB. Other variant(s) that disrupt this residue have been observed in individuals with GMPPB-related conditions (PMID: 25681410), which suggests that this may be a clinically significant amino acid residue. In summary, the currently available evidence indicates that the variant is pathogenic, but additional data are needed to prove that conclusively. Therefore, this variant has been classified as Likely Pathogenic.

Literature cited by the submitters: PubMed 33756069; PubMed 25681410.

NM_021971.4(GMPPB):c.955C>T (p.Arg319Cys)

Gene: GMPPB (GDP-mannose pyrophosphorylase B; minus strand). Cytogenetic location: 3p21.31.
Variant type: single nucleotide variant.
Coding change: c.955C>T on transcript NM_021971.4 (MANE Select); coding-DNA position 955, C replaced by T.
Protein change: p.Arg319Cys; replaces arginine 319 with cysteine.
Molecular consequence: missense variant.
Genome position (GRCh38, 1-based): chr3:49,721,880, G>A on the plus strand (C>T on the coding strand, the complement: GMPPB is on the minus strand). VCF-style: chr3-49721880-G-A. GRCh37 (hg19) VCF-style: chr3-49759313-G-A.
Other names: c.1036C>T, p.Arg346Cys (NM_013334.4); short protein forms R319C, R346C.
Identifiers: ClinVar variation 569923 (VCV000569923.8), dbSNP rs780867515, ClinGen allele CA2405377.
Genomic context (GRCh38, chr3:49,721,880, plus strand): 5'-TGAGGTAGAGCTCATCATTAACTATGACGTCCTCACCCAGCACTGTCACGTTCTCCATGC[G>A]TACCTCCAGGAGAGGATAGGCCTTGTCAGGGAGGCAGGCACACTCCCCGCCCCTCTCCCC-3'
Protein context (NP_068806.2, residues 309-329): GWRCRVGQWV[Arg319Cys]MENVTVLGED